The following is an entry in ClinVar:

NM_016032.4(ZDHHC9):c.291G>A (p.Ala97=)

Gene: ZDHHC9 (zDHHC palmitoyltransferase 9; minus strand). Cytogenetic location: Xq26.1.
Variant type: single nucleotide variant.
Coding change: c.291G>A on transcript NM_016032.4 (MANE Select); coding-DNA position 291, G replaced by A.
Protein change: p.Ala97=; no amino-acid change (alanine 97 retained).
Molecular consequence: synonymous variant.
Genome position (GRCh38, 1-based): chrX:129,829,018, C>T on the plus strand (G>A on the coding strand, the complement: ZDHHC9 is on the minus strand). VCF-style: chrX-129829018-C-T. GRCh37 (hg19) VCF-style: chrX-128962994-C-T.
Other names: c.291G>A, p.Ala97= (NM_001008222.3).
Identifiers: ClinVar variation 738866 (VCV000738866.34), dbSNP rs77513704, ClinGen allele CA10513567.
Genomic context (GRCh38, chrX:129,829,018, plus strand): 5'-TGCCAGCTGGTTGGAAGACTCACCTATCTCCATTTCTATGAAAGCTGCTTCATCTGGTAG[C>T]GCCCGAGGAATCACTCCAGGGTCACTGAAGCTGGTCCTCAACAGTGTAGCCATGGAGAAA-3'
Protein context (NP_057116.2, residues 87-107): SFSDPGVIPR[Ala97=]LPDEAAFIEM

ClinVar aggregate classification (germline): Benign/Likely benign. Review status: criteria provided, multiple submitters, no conflicts (2 of 4 stars). 2 submissions from 2 submitters: Benign (1); Likely benign (1). Last evaluated 2025-11-09.

Conditions:
Intellectual developmental disorder, X-linked, syndromic, Raymond type. Also called: Syndromic X-linked intellectual disability Raymond type. Identifiers: MedGen C3275406, MONDO:0010427, OMIM 300799.

Allele frequency attached by ClinVar (database versions not stated): 1000 Genomes Project 30x 0.00083; 1000 Genomes Project 0.00053; TOPMed 0.00053; ESP Exome Variant Server 0.00047; gnomAD 0.00033 and 0.00035.
gnomAD v4.1: 128 of 1,209,983 alleles (0.011%); highest among the groups gnomAD compares: African/African-American, 0.16%; no homozygotes.

Submissions (2):

Labcorp Genetics (formerly Invitae), Labcorp
Classification: Benign for Intellectual developmental disorder, X-linked, syndromic, Raymond type. Last evaluated: 2025-11-09. Review status: criteria provided, single submitter. Criteria: Invitae Variant Classification Sherloc (09022015). Collection method: clinical testing. Allele origin: germline.

CeGaT Center for Human Genetics Tuebingen
Classification: Likely benign. Last evaluated: 2022-09-01. Review status: criteria provided, single submitter. Criteria: CeGaT Center For Human Genetics Tuebingen Variant Classification Criteria Version 2. Collection method: clinical testing. Allele origin: germline. Affected: yes. Observed: 2 variant alleles.
Comment: ZDHHC9: BP4, BP7